The following is an entry in ClinVar:

NM_004333.6(BRAF):c.1489G>A (p.Ala497Thr)

Gene: BRAF (B-Raf proto-oncogene, serine/threonine kinase; minus strand). Cytogenetic location: 7q34.
Variant type: single nucleotide variant.
Coding change: c.1489G>A on transcript NM_004333.6 (MANE Select); coding-DNA position 1489, G replaced by A.
Protein change: p.Ala497Thr; replaces alanine 497 with threonine.
Molecular consequence: missense variant.
Genome position (GRCh38, 1-based): chr7:140,778,019, C>T on the plus strand (G>A on the coding strand, the complement: BRAF is on the minus strand). VCF-style: chr7-140778019-C-T. GRCh37 (hg19) VCF-style: chr7-140477819-C-T.
Other names: c.1489G>A, p.Ala497Thr (NM_001354609.2, NM_001378468.1, NM_001378474.1); c.1609G>A, p.Ala537Thr (NM_001374244.1, NM_001374258.1); c.1498G>A, p.Ala500Thr (NM_001378467.1); c.1423G>A, p.Ala475Thr (NM_001378469.1); c.1387G>A, p.Ala463Thr (NM_001378470.1); c.1378G>A, p.Ala460Thr (NM_001378471.1); c.1333G>A, p.Ala445Thr (NM_001378472.1, NM_001378473.1); c.1225G>A, p.Ala409Thr (NM_001378475.1); short protein forms A475T, A409T, A497T, A463T, A500T, A537T, A445T, A460T.
Identifiers: ClinVar variation 1380668 (VCV001380668.8), dbSNP rs2129019555, ClinGen allele CA369588408.

ClinVar aggregate classification (germline): Uncertain significance (1 of 4 stars; one submission).
ClinVar aggregate classification (oncogenicity): Uncertain significance (1 of 4 stars; one submission).

Conditions:
RASopathy. Also called: rasopathies; Noonan spectrum disorder. Identifiers: Orphanet 536391, MedGen C5555857, MONDO:0021060.
Neoplasm. Also called: tumor; Neoplasms; Neoplasm (disease). Identifiers: MedGen C0027651, MeSH D009369, MONDO:0005070, HP:0002664.

Submissions (2):

Center for Genomic Medicine, Rigshospitalet, Copenhagen University Hospital
Classification: Uncertain significance for Neoplasm. Last evaluated: 2025-03-04. Review status: criteria provided, single submitter. Criteria: ClinGen/CGC/VICC Guidelines for Oncogenicity, 2022. Collection method: clinical testing. Allele origin: somatic. Affected: yes.

Labcorp Genetics (formerly Invitae), Labcorp
Classification: Uncertain significance for RASopathy. Last evaluated: 2021-11-19. Review status: criteria provided, single submitter. Criteria: Invitae Variant Classification Sherloc (09022015). Collection method: clinical testing. Allele origin: germline.
Comment: In summary, the available evidence is currently insufficient to determine the role of this variant in disease. Therefore, it has been classified as a Variant of Uncertain Significance. Advanced modeling of protein sequence and biophysical properties (such as structural, functional, and spatial information, amino acid conservation, physicochemical variation, residue mobility, and thermodynamic stability) performed at Invitae indicates that this missense variant is expected to disrupt BRAF protein function. This variant has not been reported in the literature in individuals affected with BRAF-related conditions. This variant is not present in population databases (gnomAD no frequency). This sequence change replaces alanine, which is neutral and non-polar, with threonine, which is neutral and polar, at codon 497 of the BRAF protein (p.Ala497Thr).